The following is an entry in ClinVar:

ClinVar aggregate classification (germline): Likely pathogenic (1 of 4 stars; one submission).

Conditions:
NR5A1-related disorder. Also called: NR5A1-related condition.

gnomAD v4.1: 1 of 1,613,916 alleles (0.000062%); highest among the groups gnomAD compares: Non-Finnish European, 0.000085%; no homozygotes.

Submission:

PreventionGenetics, part of Exact Sciences
Classification: Likely pathogenic for NR5A1-related condition. Last evaluated: 2024-11-22. Review status: criteria provided, single submitter. Criteria: ACMG Guidelines, 2015. Collection method: clinical testing. Allele origin: germline.
Comment: The NR5A1 c.1294C>T variant is predicted to result in premature protein termination (p.Gln432*). To our knowledge, this variant has not been reported in the literature or in a large population database (gnomAD), indicating this variant is rare. Nonsense variants in NR5A1 are expected to be pathogenic. This variant is interpreted as likely pathogenic.

NM_004959.5(NR5A1):c.1294C>T (p.Gln432Ter)

Gene: NR5A1 (nuclear receptor subfamily 5 group A member 1; minus strand). Cytogenetic location: 9q33.3.
Variant type: single nucleotide variant.
Coding change: c.1294C>T on transcript NM_004959.5 (MANE Select); coding-DNA position 1294, C replaced by T.
Protein change: p.Gln432Ter; replaces glutamine 432 with a stop codon.
Molecular consequence: nonsense.
Genome position (GRCh38, 1-based): chr9:124,482,850, G>A on the plus strand (C>T on the coding strand, the complement: NR5A1 is on the minus strand). VCF-style: chr9-124482850-G-A. GRCh37 (hg19) VCF-style: chr9-127245129-G-A.
Other names: short protein forms Q432*.
Identifiers: ClinVar variation 4983315 (VCV004983315.1).